The following is an entry in ClinVar:

ClinVar aggregate classification (germline): Pathogenic. Review status: criteria provided, multiple submitters, no conflicts (2 of 4 stars). 2 submissions from 2 submitters: Pathogenic (2). Last evaluated 2024-08-16.

Submissions (2):

Labcorp Genetics (formerly Invitae), Labcorp
Classification: Pathogenic. Last evaluated: 2024-08-16. Review status: criteria provided, single submitter. Criteria: Invitae Variant Classification Sherloc (09022015). Collection method: clinical testing. Allele origin: germline.
Comment: This sequence change creates a premature translational stop signal (p.Trp88*) in the PHEX gene. It is expected to result in an absent or disrupted protein product. Loss-of-function variants in PHEX are known to be pathogenic (PMID: 9097956, 9106524, 19219621). This variant is not present in population databases (gnomAD no frequency). This premature translational stop signal has been observed in individual(s) with hypophosphatemic rickets (PMID: 30682568). ClinVar contains an entry for this variant (Variation ID: 586224). For these reasons, this variant has been classified as Pathogenic.

Athena Diagnostics
Classification: Pathogenic. Last evaluated: 2018-07-12. Review status: criteria provided, single submitter. Criteria: Athena Diagnostics Criteria. Collection method: clinical testing. Allele origin: germline.

Literature cited by the submitters: PubMed 9097956 (cited by Labcorp Genetics (formerly Invitae), Labcorp); PubMed 9106524 (cited by Labcorp Genetics (formerly Invitae), Labcorp); PubMed 19219621 (cited by Labcorp Genetics (formerly Invitae), Labcorp); PubMed 30682568 (cited by Labcorp Genetics (formerly Invitae), Labcorp).

NM_000444.6(PHEX):c.263G>A (p.Trp88Ter)

Gene: PHEX (phosphate regulating endopeptidase X-linked; plus strand). Cytogenetic location: Xp22.11.
Variant type: single nucleotide variant.
Coding change: c.263G>A on transcript NM_000444.6 (MANE Select); coding-DNA position 263, G replaced by A.
Protein change: p.Trp88Ter; replaces tryptophan 88 with a stop codon.
Molecular consequence: nonsense.
Genome position (GRCh38, 1-based): chrX:22,047,125, G>A. VCF-style: chrX-22047125-G-A. GRCh37 (hg19) VCF-style: chrX-22065243-G-A.
Other names: c.263G>A, p.Trp88Ter (NM_001282754.2); short protein forms W88*.
Identifiers: ClinVar variation 586224 (VCV000586224.8), dbSNP rs1569369653, ClinGen allele CA412567652.